The following is an entry in ClinVar:

ClinVar aggregate classification (germline): Uncertain significance. Review status: criteria provided, multiple submitters, no conflicts (2 of 4 stars). 3 submissions from 3 submitters: Uncertain significance (3). Last evaluated 2025-02-20.

Conditions:
Hereditary nonpolyposis colorectal neoplasms. Identifiers: MedGen C0009405, MeSH D003123.
Endometrial carcinoma. Also called: Endometrial carcinoma, somatic. Identifiers: MedGen C0476089, MONDO:0002447, OMIM 608089, HP:0012114.
Hereditary cancer-predisposing syndrome. Also called: Tumor predisposition; Hereditary neoplastic syndrome; Neoplastic Syndromes, Hereditary; Hereditary Cancer Syndrome. Identifiers: Orphanet 140162, MedGen C0027672, MeSH D009386, MONDO:0015356.

Submissions (3):

Ambry Genetics
Classification: Uncertain significance for Hereditary cancer-predisposing syndrome. Last evaluated: 2025-02-20. Review status: criteria provided, single submitter. Criteria: Ambry Variant Classification Scheme 2023. Collection method: clinical testing. Allele origin: germline.
Comment: The p.M491I variant (also known as c.1473G>C), located in coding exon 4 of the MSH6 gene, results from a G to C substitution at nucleotide position 1473. The methionine at codon 491 is replaced by isoleucine, an amino acid with highly similar properties. This amino acid position is highly conserved in available vertebrate species. In addition, this alteration is predicted to be deleterious by in silico analysis. Based on the available evidence, the clinical significance of this variant remains unclear.

Baylor Genetics
Classification: Uncertain significance for Endometrial carcinoma. Last evaluated: 2024-03-22. Review status: criteria provided, single submitter. Criteria: ACMG Guidelines, 2015. Collection method: clinical testing. Allele origin: unknown.

Labcorp Genetics (formerly Invitae), Labcorp
Classification: Uncertain significance for Hereditary nonpolyposis colorectal neoplasms. Last evaluated: 2021-09-29. Review status: criteria provided, single submitter. Criteria: Invitae Variant Classification Sherloc (09022015). Collection method: clinical testing. Allele origin: germline.
Comment: This sequence change replaces methionine with isoleucine at codon 491 of the MSH6 protein (p.Met491Ile). The methionine residue is highly conserved and there is a small physicochemical difference between methionine and isoleucine. This variant is not present in population databases (ExAC no frequency). This variant has not been reported in the literature in individuals affected with MSH6-related conditions. ClinVar contains an entry for this variant (Variation ID: 819298). Algorithms developed to predict the effect of missense changes on protein structure and function are either unavailable or do not agree on the potential impact of this missense change (SIFT: "Deleterious"; PolyPhen-2: "Probably Damaging"; Align-GVGD: "Class C0"). In summary, the available evidence is currently insufficient to determine the role of this variant in disease. Therefore, it has been classified as a Variant of Uncertain Significance.

NM_000179.3(MSH6):c.1473G>C (p.Met491Ile)

Gene: MSH6 (mutS homolog 6; plus strand). Cytogenetic location: 2p16.3.
Variant type: single nucleotide variant.
Coding change: c.1473G>C on transcript NM_000179.3 (MANE Select); coding-DNA position 1473, G replaced by C.
Protein change: p.Met491Ile; replaces methionine 491 with isoleucine.
Molecular consequence: missense variant.
Genome position (GRCh38, 1-based): chr2:47,799,456, G>C. VCF-style: chr2-47799456-G-C. GRCh37 (hg19) VCF-style: chr2-48026595-G-C.
Other names: c.1083G>C, p.Met361Ile (NM_001281492.2); c.567G>C, p.Met189Ile (NM_001281493.2, NM_001281494.2); short protein forms M189I, M361I, M491I.
Identifiers: ClinVar variation 819298 (VCV000819298.12), dbSNP rs1572723119, ClinGen allele CA346745946.